The following is an entry in ClinVar:

NC_000019.9:g.(?_39068538)_(39068864_?)del

Gene: RYR1 (ryanodine receptor 1; plus strand). Cytogenetic location: 19q13.2.
Variant type: Deletion.
Identifiers: ClinVar variation 3242620 (VCV003242620.1).

ClinVar aggregate classification (germline): Pathogenic (1 of 4 stars; one submission).

Conditions:
RYR1-related disorder. Also called: RYR1-related disorders; RYR1-related condition. Identifiers: MedGen CN239331.

Submission:

Labcorp Genetics (formerly Invitae), Labcorp
Classification: Pathogenic for RYR1-related disorder. Last evaluated: 2023-12-02. Review status: criteria provided, single submitter. Criteria: Invitae Variant Classification Sherloc (09022015). Collection method: clinical testing. Allele origin: unknown.
Comment: This variant is a gross deletion of the genomic region encompassing exon(s) 98-99 of the RYR1 gene. This variant would be expected to be in-frame, preserving the integrity of the reading frame. This variant has not been reported in the literature in individuals affected with RYR1-related conditions. This variant disrupts a region of the RYR1 protein in which other variant(s) (p.Gly4782Arg) have been determined to be pathogenic (PMID: 26275793, 29096039). This suggests that this is a clinically significant region of the protein, and that variants that disrupt it are likely to be disease-causing. For these reasons, this variant has been classified as Pathogenic.

Literature cited by the submitters: PubMed 26275793; PubMed 29096039.